The following is an entry in ClinVar:

ClinVar aggregate classification (germline): Uncertain significance. Review status: criteria provided, multiple submitters, no conflicts (2 of 4 stars). 2 submissions from 2 submitters: Uncertain significance (2). Last evaluated 2024-05-09.

Conditions:
Developmental and epileptic encephalopathy 94 (DEE94). Also called: Epileptic encephalopathy, childhood-onset; CHD2-Related Neurodevelopmental Disorders. Identifiers: Orphanet 1942, Orphanet 2382, MedGen C3809278, MONDO:0014150, OMIM 615369.

Allele frequency attached by ClinVar (database versions not stated): gnomAD exomes below 0.00001.
gnomAD v4.1: 1 of 1,614,122 alleles (0.000062%); highest among the groups gnomAD compares: Non-Finnish European, 0.000085%; no homozygotes.

Submissions (2):

Labcorp Genetics (formerly Invitae), Labcorp
Classification: Uncertain significance for Developmental and epileptic encephalopathy 94. Last evaluated: 2024-05-09. Review status: criteria provided, single submitter. Criteria: Invitae Variant Classification Sherloc (09022015). Collection method: clinical testing. Allele origin: germline.
Comment: This sequence change replaces serine, which is neutral and polar, with threonine, which is neutral and polar, at codon 64 of the CHD2 protein (p.Ser64Thr). This variant is not present in population databases (gnomAD no frequency). This variant has not been reported in the literature in individuals affected with CHD2-related conditions. ClinVar contains an entry for this variant (Variation ID: 1686562). Advanced modeling of protein sequence and biophysical properties (such as structural, functional, and spatial information, amino acid conservation, physicochemical variation, residue mobility, and thermodynamic stability) performed at Invitae indicates that this missense variant is not expected to disrupt CHD2 protein function with a negative predictive value of 95%. In summary, the available evidence is currently insufficient to determine the role of this variant in disease. Therefore, it has been classified as a Variant of Uncertain Significance.

Mendelics
Classification: Uncertain significance. Last evaluated: 2022-05-04. Review status: criteria provided, single submitter. Criteria: Mendelics Assertion Criteria 2019. Collection method: clinical testing. Allele origin: germline.

NM_001271.4(CHD2):c.190T>A (p.Ser64Thr)

Gene: CHD2 (chromodomain helicase DNA binding protein 2; plus strand). Cytogenetic location: 15q26.1.
Variant type: single nucleotide variant.
Coding change: c.190T>A on transcript NM_001271.4 (MANE Select); coding-DNA position 190, T replaced by A.
Protein change: p.Ser64Thr; replaces serine 64 with threonine.
Molecular consequence: missense variant.
Genome position (GRCh38, 1-based): chr15:92,924,448, T>A. VCF-style: chr15-92924448-T-A. GRCh37 (hg19) VCF-style: chr15-93467678-T-A.
Other names: c.190T>A, p.Ser64Thr (NM_001042572.3); short protein forms S64T.
Identifiers: ClinVar variation 1686562 (VCV001686562.3), dbSNP rs2141746050, ClinGen allele CA393896274.
Genomic context (GRCh38, chr15:92,924,448, plus strand): 5'-GATCCAGGAAGTGGACATGGCAGCGAGTCGAACAGCAGCTCTGAATCTTCTGAGAGTCAG[T>A]CGGAATCTGAGAGCGAATCAGCAGGTTCCAAATCCCAGCCAGTCCTCCCAGAAGCCAAAG-3'
Protein context (NP_001262.3, residues 54-74): NSSSESSESQ[Ser64Thr]ESESESAGSK